The following is an entry in ClinVar:

NM_001005242.3(PKP2):c.1081G>C (p.Glu361Gln)

Gene: PKP2 (plakophilin 2; minus strand). Cytogenetic location: 12p11.21.
Variant type: single nucleotide variant.
Coding change: c.1081G>C on transcript NM_001005242.3 (MANE Select); coding-DNA position 1081, G replaced by C.
Protein change: p.Glu361Gln; replaces glutamic acid 361 with glutamine.
Molecular consequence: missense variant.
Genome position (GRCh38, 1-based): chr12:32,869,016, C>G on the plus strand (G>C on the coding strand, the complement: PKP2 is on the minus strand). VCF-style: chr12-32869016-C-G. GRCh37 (hg19) VCF-style: chr12-33021950-C-G.
Other names: c.1081G>C, p.Glu361Gln (NM_001407155.1, NM_001407156.1, NM_001407157.1 and 2 more transcripts); c.754G>C, p.Glu252Gln (NM_001407158.1, NM_001407159.1, NM_001407160.1 and 1 more transcripts); short protein forms E252Q, E361Q.
Identifiers: ClinVar variation 3669755 (VCV003669755.2).

ClinVar aggregate classification (germline): Uncertain significance (1 of 4 stars; one submission).

Conditions:
Arrhythmogenic right ventricular dysplasia 9 (ARVD9). Also called: Arrhythmogenic Right Ventricular Dysplasia/Cardiomyopathy 9; ARRHYTHMOGENIC RIGHT VENTRICULAR DYSPLASIA, FAMILIAL, 9. Identifiers: MedGen C1836906, MONDO:0012180, OMIM 609040.

gnomAD v4.1: 2 of 1,613,896 alleles (0.00012%); highest among the groups gnomAD compares: African/African-American, 0.0013%; no homozygotes.

Submission:

Labcorp Genetics (formerly Invitae), Labcorp
Classification: Uncertain significance for Arrhythmogenic right ventricular dysplasia 9. Last evaluated: 2025-06-13. Review status: criteria provided, single submitter. Criteria: Invitae Variant Classification Sherloc (09022015). Collection method: clinical testing. Allele origin: germline.
Comment: This sequence change replaces glutamic acid, which is acidic and polar, with glutamine, which is neutral and polar, at codon 361 of the PKP2 protein (p.Glu361Gln). This variant is present in population databases (rs375404471, gnomAD 0.003%). This variant has not been reported in the literature in individuals affected with PKP2-related conditions. ClinVar contains an entry for this variant (Variation ID: 3669755). An algorithm developed to predict the effect of missense changes on protein structure and function (PolyPhen-2) suggests that this variant is likely to be tolerated. In summary, the available evidence is currently insufficient to determine the role of this variant in disease. Therefore, it has been classified as a Variant of Uncertain Significance.